The following is an entry in ClinVar:

ClinVar aggregate classification (germline): Likely benign. Review status: criteria provided, multiple submitters, no conflicts (2 of 4 stars). 2 submissions from 2 submitters: Likely benign (2). Last evaluated 2024-11-08.

Allele frequency attached by ClinVar (database versions not stated): gnomAD 0.00070; gnomAD exomes 0.00079; TOPMed 0.00079; 1000 Genomes Project 30x 0.00094; ExAC 0.00095; 1000 Genomes Project 0.00100; ESP Exome Variant Server 0.00115.
gnomAD v4.1: 1,295 of 1,614,184 alleles (0.08%); highest among the groups gnomAD compares: Middle Eastern, 0.3%; 1 homozygote.

Submissions (2):

Blueprint Genetics
Classification: Likely benign. Last evaluated: 2024-11-08. Review status: criteria provided, single submitter. Criteria: ACMG Guidelines, 2015. Collection method: clinical testing. Allele origin: germline.

CeGaT Center for Human Genetics Tuebingen
Classification: Likely benign. Last evaluated: 2024-11-01. Review status: criteria provided, single submitter. Criteria: CeGaT Center For Human Genetics Tuebingen Variant Classification Criteria Version 2. Collection method: clinical testing. Allele origin: germline. Affected: yes. Observed: 2 variant alleles.
Comment: FLG2: BP4, BP7

NM_001014342.3(FLG2):c.585C>T (p.Asp195=)

Genes: CCDST (cervical cancer associated DHX9 suppressive transcript; plus strand), FLG2 (filaggrin 2; minus strand). Cytogenetic location: 1q21.3.
Variant type: single nucleotide variant.
Coding change: c.585C>T on transcript NM_001014342.3 (MANE Select); coding-DNA position 585, C replaced by T.
Protein change: p.Asp195=; no amino-acid change (aspartic acid 195 retained).
Molecular consequence: synonymous variant.
Genome position (GRCh38, 1-based): chr1:152,357,201, G>A on the plus strand (C>T on the coding strand, the complement: FLG2 is on the minus strand). VCF-style: chr1-152357201-G-A. GRCh37 (hg19) VCF-style: chr1-152329677-G-A.
Identifiers: ClinVar variation 2639337 (VCV002639337.25), dbSNP rs142857077, ClinGen allele CA1109498.